The following is an entry in ClinVar:

ClinVar aggregate classification (germline): Likely benign. Review status: criteria provided, multiple submitters, no conflicts (2 of 4 stars). 3 submissions from 3 submitters: Likely benign (3). Last evaluated 2025-03-27.

Conditions:
Inborn genetic diseases. Identifiers: MedGen C0950123, MeSH D030342.

Allele frequency attached by ClinVar (database versions not stated): ExAC 0.00004.
gnomAD v4.1: 32 of 1,577,584 alleles (0.002%); highest among the groups gnomAD compares: Middle Eastern, 0.017%; no homozygotes.

Submissions (3):

Labcorp Genetics (formerly Invitae), Labcorp
Classification: Likely benign. Last evaluated: 2025-03-27. Review status: criteria provided, single submitter. Criteria: Invitae Variant Classification Sherloc (09022015). Collection method: clinical testing. Allele origin: germline.

CeGaT Center for Human Genetics Tuebingen
Classification: Likely benign. Last evaluated: 2023-06-01. Review status: criteria provided, single submitter. Criteria: CeGaT Center For Human Genetics Tuebingen Variant Classification Criteria Version 2. Collection method: clinical testing. Allele origin: germline. Affected: yes. Observed: 1 variant allele.
Comment: TRAPPC9: BP4, BP7

Ambry Genetics
Classification: Likely benign for Inborn genetic diseases. Last evaluated: 2019-08-30. Review status: criteria provided, single submitter. Criteria: Ambry Variant Classification Scheme 2023. Collection method: clinical testing. Allele origin: germline.

NM_001160372.4(TRAPPC9):c.3276C>T (p.Asp1092=)

Gene: TRAPPC9 (trafficking protein particle complex subunit 9; minus strand). Cytogenetic location: 8q24.3.
Variant type: single nucleotide variant.
Coding change: c.3276C>T on transcript NM_001160372.4 (MANE Select); coding-DNA position 3276, C replaced by T.
Protein change: p.Asp1092=; no amino-acid change (aspartic acid 1092 retained).
Molecular consequence: synonymous variant. On other transcripts: non-coding transcript variant (1).
Genome position (GRCh38, 1-based): chr8:139,731,982, G>A on the plus strand (C>T on the coding strand, the complement: TRAPPC9 is on the minus strand). VCF-style: chr8-139731982-G-A. GRCh37 (hg19) VCF-style: chr8-140744225-G-A.
Other names: c.3249C>T, p.Asp1083= (NM_001321646.2); c.3297C>T, p.Asp1099= (NM_001374682.1); c.3165C>T, p.Asp1055= (NM_001374683.1); c.3132C>T, p.Asp1044= (NM_001374684.1); c.3276C>T, p.Asp1092= (NM_031466.8).
Identifiers: ClinVar variation 1732795 (VCV001732795.29), dbSNP rs766246370, ClinGen allele CA4892758.